The following is an entry in ClinVar:

ClinVar aggregate classification (germline): Uncertain significance (1 of 4 stars; one submission).

Conditions:
Hereditary cancer-predisposing syndrome. Also called: Tumor predisposition; Hereditary neoplastic syndrome; Hereditary Cancer Syndrome; Neoplastic Syndromes, Hereditary. Identifiers: Orphanet 140162, MedGen C0027672, MeSH D009386, MONDO:0015356.

Submission:

Color Diagnostics, LLC DBA Color Health
Classification: Uncertain significance for Hereditary cancer-predisposing syndrome. Last evaluated: 2024-03-07. Review status: criteria provided, single submitter. Criteria: ACMG Guidelines, 2015. Collection method: clinical testing. Allele origin: germline.
Comment: This missense variant replaces aspartic acid with glycine at codon 47 of the MSH6 protein. Computational prediction suggests that this variant may not impact protein structure and function (internally defined REVEL score threshold <= 0.5, PMID: 27666373). To our knowledge, functional studies have not been reported for this variant. This variant has not been reported in individuals affected with hereditary cancer in the literature. This variant has not been identified in the general population by the Genome Aggregation Database (gnomAD). The available evidence is insufficient to determine the role of this variant in disease conclusively. Therefore, this variant is classified as a Variant of Uncertain Significance.

NM_000179.3(MSH6):c.140A>G (p.Asp47Gly)

Gene: MSH6 (mutS homolog 6; plus strand). Cytogenetic location: 2p16.3.
Variant type: single nucleotide variant.
Coding change: c.140A>G on transcript NM_000179.3 (MANE Select); coding-DNA position 140, A replaced by G.
Protein change: p.Asp47Gly; replaces aspartic acid 47 with glycine.
Molecular consequence: missense variant. On other transcripts: 5 prime UTR variant (1).
Genome position (GRCh38, 1-based): chr2:47,783,373, A>G. VCF-style: chr2-47783373-A-G. GRCh37 (hg19) VCF-style: chr2-48010512-A-G.
Other names: c.140A>G, p.Asp47Gly (NM_001281492.2); c.-597A>G (NM_001281493.2); short protein forms D47G.
Identifiers: ClinVar variation 1171974 (VCV001171974.3), dbSNP rs1168451622, ClinGen allele CA346734916.